The following is an entry in ClinVar:

NM_018062.4(FANCL):c.547_563delinsCCCTAC (p.Leu183fs)

Gene: FANCL (FA complementation group L; minus strand). Cytogenetic location: 2p16.1.
Variant type: Indel.
Coding change: c.547_563delinsCCCTAC on transcript NM_018062.4 (MANE Select); coding-DNA positions 547 to 563, TTAATAAGCATTTATAG replaced by CCCTAC.
Protein change: p.Leu183fs; shifts the reading frame from leucine 183.
Molecular consequence: frameshift variant. On other transcripts: non-coding transcript variant (2).
Genome position (GRCh38, 1-based): chr2:58,165,852-58,165,868, CTATAAATGCTTATTAA replaced by GTAGGG on the plus strand (TTAATAAGCATTTATAG replaced by CCCTAC on the coding strand, the reverse complement: FANCL is on the minus strand). VCF-style: chr2-58165852-CTATAAATGCTTATTAA-GTAGGG. GRCh37 (hg19) VCF-style: chr2-58392987-CTATAAATGCTTATTAA-GTAGGG.
Other names: c.592_608delinsCCCTAC, p.Leu198fs (NM_001374615.1, NM_001438889.1); c.607_623delinsCCCTAC, p.Leu203fs (NM_001410792.1); c.562_578delinsCCCTAC, p.Leu188fs (NM_001438890.1, NM_001114636.2); c.547_563delinsCCCTAC, p.Leu183fs (NM_001438891.1); c.103_119delinsCCCTAC, p.Leu35fs (NM_001438892.1); short protein forms L183fs, L188fs, L198fs, L203fs, L35fs.
Identifiers: ClinVar variation 5006311 (VCV005006311.2).

ClinVar aggregate classification (germline): Likely pathogenic (1 of 4 stars; one submission).

Conditions:
Fanconi anemia complementation group L (FANCL). Also called: FANCL-Related Fanconi Anemia. Identifiers: Orphanet 84, MedGen C3469528, MONDO:0013566, OMIM 614083.

Submission:

Juno Genomics, Hangzhou Juno Genomics, Inc
Classification: Likely pathogenic for Fanconi anemia complementation group L. Review status: criteria provided, single submitter. Criteria: ACMG Guidelines, 2015. Collection method: clinical testing. Allele origin: germline.
Comment: Null variant in a gene where loss of function (LOF) is a known mechanism of disease.;Absent from controls (or at extremely low frequency if recessive) in Genome Aggregation Database.